The following is an entry in ClinVar:

NM_001042492.3(NF1):c.4711G>A (p.Glu1571Lys)

Gene: NF1 (neurofibromin 1; plus strand). Cytogenetic location: 17q11.2.
Variant type: single nucleotide variant.
Coding change: c.4711G>A on transcript NM_001042492.3 (MANE Select); coding-DNA position 4711, G replaced by A.
Protein change: p.Glu1571Lys; replaces glutamic acid 1571 with lysine.
Molecular consequence: missense variant.
Genome position (GRCh38, 1-based): chr17:31,261,844, G>A. VCF-style: chr17-31261844-G-A. GRCh37 (hg19) VCF-style: chr17-29588862-G-A.
Other names: c.4648G>A, p.Glu1550Lys (NM_000267.4); short protein forms E1571K, E1550K.
Identifiers: ClinVar variation 3879090 (VCV003879090.1).

ClinVar aggregate classification (germline): Uncertain significance (1 of 4 stars; one submission).

Conditions:
Cardiovascular phenotype. Identifiers: MedGen CN230736.
Hereditary cancer-predisposing syndrome. Also called: Tumor predisposition; Neoplastic Syndromes, Hereditary; Hereditary Cancer Syndrome; Hereditary neoplastic syndrome. Identifiers: Orphanet 140162, MedGen C0027672, MeSH D009386, MONDO:0015356.

Submission:

Ambry Genetics
Classification: Uncertain significance for Cardiovascular phenotype; Hereditary cancer-predisposing syndrome. Last evaluated: 2025-02-04. Review status: criteria provided, single submitter. Criteria: Ambry Variant Classification Scheme 2023. Collection method: clinical testing. Allele origin: germline.
Comment: The p.E1550K variant (also known as c.4648G>A), located in coding exon 34 of the NF1 gene, results from a G to A substitution at nucleotide position 4648. The glutamic acid at codon 1550 is replaced by lysine, an amino acid with similar properties. This amino acid position is conserved. In addition, the in silico prediction for this alteration is inconclusive. Based on the available evidence, the clinical significance of this variant remains unclear.